The following is an entry in ClinVar:

NM_198525.3(KIF7):c.1895C>T (p.Pro632Leu)

Gene: KIF7 (kinesin family member 7; minus strand). Cytogenetic location: 15q26.1.
Variant type: single nucleotide variant.
Coding change: c.1895C>T on transcript NM_198525.3 (MANE Select); coding-DNA position 1895, C replaced by T.
Protein change: p.Pro632Leu; replaces proline 632 with leucine.
Molecular consequence: missense variant.
Genome position (GRCh38, 1-based): chr15:89,645,920, G>A on the plus strand (C>T on the coding strand, the complement: KIF7 is on the minus strand). VCF-style: chr15-89645920-G-A. GRCh37 (hg19) VCF-style: chr15-90189151-G-A.
Other names: short protein forms P632L.
Identifiers: ClinVar variation 129407 (VCV000129407.52), dbSNP rs115857753, ClinGen allele CA020233.

ClinVar aggregate classification (germline): Benign/Likely benign. Review status: criteria provided, multiple submitters, no conflicts (2 of 4 stars). 11 submissions from 11 submitters: Benign (7); Likely benign (3). 1 of the submissions does not count toward it. Last evaluated 2026-09-01.

Conditions:
Acrocallosal syndrome (ACLS). Also called: HALLUX DUPLICATION, POSTAXIAL POLYDACTYLY, AND ABSENCE OF CORPUS CALLOSUM; Schinzel syndrome 1; Absence of corpus callosum with unusual facial appearance, mental deficiency, duplication of the halluces and polydactyly. Identifiers: Orphanet 36, MedGen C0796147, MONDO:0008708, OMIM 200990.

Allele frequency attached by ClinVar (database versions not stated): gnomAD 0.01168; ESP Exome Variant Server 0.01208; 1000 Genomes Project 30x 0.00953; 1000 Genomes Project 0.00978; TOPMed 0.01159.
gnomAD v4.1: 3,145 of 1,613,688 alleles (0.19%); highest among the groups gnomAD compares: African/African-American, 3.8%; 60 homozygotes.

Submissions (11):

CeGaT Center for Human Genetics Tuebingen
Classification: Benign. Last evaluated: 2026-09-01. Review status: criteria provided, single submitter. Criteria: CeGaT Center For Human Genetics Tuebingen Variant Classification Criteria Version 2. Collection method: clinical testing. Allele origin: germline. Affected: yes. Observed: 8 variant alleles.
Comment: KIF7: BP4, BS1, BS2

Labcorp Genetics (formerly Invitae), Labcorp
Classification: Benign for Acrocallosal syndrome. Last evaluated: 2026-02-02. Review status: criteria provided, single submitter. Criteria: Invitae Variant Classification Sherloc (09022015). Collection method: clinical testing. Allele origin: germline.

Mayo Clinic Laboratories, Mayo Clinic
Classification: Benign. Last evaluated: 2025-10-17. Review status: criteria provided, single submitter. Criteria: ACMG Guidelines, 2015. Collection method: clinical testing. Allele origin: germline. Observed: 1 variant allele.
Comment: BS1, BS2, BP4_moderate

Blueprint Genetics
Classification: Benign. Last evaluated: 2024-10-16. Review status: criteria provided, single submitter. Criteria: ACMG Guidelines, 2015. Collection method: clinical testing. Allele origin: germline.

Illumina Laboratory Services, Illumina
Classification: Likely benign for Acrocallosal syndrome. Last evaluated: 2017-04-28. Review status: criteria provided, single submitter. Criteria: ICSL Variant Classification Criteria 13 December 2019. Collection method: clinical testing. Allele origin: germline.
Comment: This variant was observed as part of a predisposition screen in an ostensibly healthy population. A literature search was performed for the gene, cDNA change, and amino acid change (where applicable). Publications were found based on this search. The evidence from the literature, in combination with allele frequency data from public databases where available, was sufficient to determine this variant is unlikely to cause disease. Therefore, this variant is classified as likely benign.

Center for Pediatric Genomic Medicine, Children's Mercy Hospital and Clinics
Classification: Likely benign. Last evaluated: 2016-12-02. Review status: criteria provided, single submitter. Criteria: ACMG Guidelines, 2015. Collection method: clinical testing. Allele origin: germline.
ClinVar note: Converted during submission from Likely Benign to Likely benign.

Genomic Diagnostic Laboratory, Division of Genomic Diagnostics, Children's Hospital of Philadelphia
Classification: Benign. Last evaluated: 2015-06-08. Review status: criteria provided, single submitter. Criteria: DGD Variant Analysis Guidelines. Collection method: clinical testing. Allele origin: unknown.

GeneDx
Classification: Benign. Last evaluated: 2015-04-23. Review status: criteria provided, single submitter. Criteria: GeneDx Variant Classification (06012015). Collection method: clinical testing. Allele origin: germline. Affected: yes.
Comment: This variant is considered likely benign or benign based on one or more of the following criteria: it is a conservative change, it occurs at a poorly conserved position in the protein, it is predicted to be benign by multiple in silico algorithms, and/or has population frequency not consistent with disease.

Eurofins Ntd Llc (ga)
Classification: Benign. Last evaluated: 2015-04-16. Review status: criteria provided, single submitter. Criteria: EGL Classification Definitions 2015. Collection method: clinical testing. Allele origin: germline. Observed: 2 variant alleles, 1 heterozygote.

Breakthrough Genomics
Classification: Likely benign. Review status: criteria provided, single submitter. Criteria: ACMG Guidelines, 2015. Collection method: not provided. Allele origin: germline. Inheritance: Autosomal recessive inheritance. Affected: yes.

Genetic Services Laboratory, University of Chicago
Classification: Likely benign for AllHighlyPenetrant. Review status: no assertion criteria provided. Collection method: clinical testing. Allele origin: germline. Inheritance: Autosomal recessive inheritance. Not counted in ClinVar's aggregate classification.
Comment: Likely benign based on allele frequency in 1000 Genomes Project or ESP global frequency and its presence in a patient with a rare or unrelated disease phenotype. NOT Sanger confirmed.

Literature cited by the submitters: PubMed 21552264 (cited by Mayo Clinic Laboratories, Mayo Clinic and Illumina Laboratory Services, Illumina).